The following is an entry in ClinVar:

ClinVar aggregate classification (germline): Benign. Review status: criteria provided, multiple submitters, no conflicts (2 of 4 stars). 3 submissions from 3 submitters: Benign (3). Last evaluated 2018-06-14.

Conditions:
Usher syndrome type 3. Also called: Usher Syndrome, Type III. Identifiers: Orphanet 231183, MedGen C1568248, MONDO:0016485.

Allele frequency attached by ClinVar (database versions not stated): gnomAD 0.09087 and 0.08952; TOPMed 0.09857; 1000 Genomes Project 30x 0.15116; 1000 Genomes Project 0.15475; gnomAD exomes 0.05717 and 0.08801; ExAC 0.07225.
gnomAD v4.1: 67,716 of 1,081,344 alleles (6.3%); highest among the groups gnomAD compares: East Asian, 29%; 3,940 homozygotes.

Submissions (3):

GeneDx
Classification: Benign. Last evaluated: 2018-06-14. Review status: criteria provided, single submitter. Criteria: GeneDx Variant Classification Process June 2021. Collection method: clinical testing. Allele origin: germline. Affected: yes.

Illumina Laboratory Services, Illumina
Classification: Benign for Usher syndrome type 3A. Last evaluated: 2018-01-12. Review status: criteria provided, single submitter. Criteria: ICSL Variant Classification Criteria 13 December 2019. Collection method: clinical testing. Allele origin: germline.
Comment: This variant was observed in the ICSL laboratory as part of a predisposition screen in an ostensibly healthy population. It had not been previously curated by ICSL or reported in the Human Gene Mutation Database (HGMD: prior to June 1st, 2018), and was therefore a candidate for classification through an automated scoring system. Utilizing variant allele frequency, disease prevalence and penetrance estimates, and inheritance mode, an automated score was calculated to assess if this variant is too frequent to cause the disease. Based on the score and internal cut-off values, a variant classified as benign is not then subjected to further curation. The score for this variant resulted in a classification of benign for this disease.

Breakthrough Genomics
Classification: Benign. Review status: criteria provided, single submitter. Criteria: ACMG Guidelines, 2015. Collection method: not provided. Allele origin: germline. Inheritance: Autosomal recessive inheritance. Affected: yes.

NM_174878.3(CLRN1):c.*884A>C

Gene: CLRN1 (clarin 1; minus strand). Cytogenetic location: 3q25.1.
Variant type: single nucleotide variant.
Coding change: c.*884A>C on transcript NM_174878.3 (MANE Select); 884 bases downstream of the stop codon, A replaced by C.
Molecular consequence: 3 prime UTR variant. On other transcripts: non-coding transcript variant (1), intron variant (1).
Genome position (GRCh38, 1-based): chr3:150,927,052, T>G on the plus strand (A>C on the coding strand, the complement: CLRN1 is on the minus strand). VCF-style: chr3-150927052-T-G. GRCh37 (hg19) VCF-style: chr3-150644839-T-G.
Other names: c.*884A>C (NM_001195794.1); c.*1197A>C (NM_001256819.2); c.343-180A>C (NM_052995.2).
Identifiers: ClinVar variation 343801 (VCV000343801.7), dbSNP rs12635299, ClinGen allele CA2665911.